The following is an entry in ClinVar:

ClinVar aggregate classification (germline): Benign/Likely benign. Review status: criteria provided, multiple submitters, no conflicts (2 of 4 stars). 4 submissions from 4 submitters: Benign (1); Likely benign (3). Last evaluated 2025-06-09.

Conditions:
Familial adenomatous polyposis 1 (FAP1). Also called: POLYPOSIS, ADENOMATOUS INTESTINAL; FAMILIAL ADENOMATOUS POLYPOSIS 1, ATTENUATED. Identifiers: MedGen C2713442, MONDO:0021056, OMIM 175100. Disease mechanism: loss of function.
Hereditary cancer-predisposing syndrome. Also called: Hereditary Cancer Syndrome; Neoplastic Syndromes, Hereditary; Tumor predisposition; Hereditary neoplastic syndrome. Identifiers: Orphanet 140162, MedGen C0027672, MeSH D009386, MONDO:0015356.

gnomAD v4.1: 1 of 1,613,606 alleles (0.000062%); highest among the groups gnomAD compares: Non-Finnish European, 0.000085%; no homozygotes.

Submissions (4):

Labcorp Genetics (formerly Invitae), Labcorp
Classification: Likely benign for Familial adenomatous polyposis 1. Last evaluated: 2025-06-09. Review status: criteria provided, single submitter. Criteria: Invitae Variant Classification Sherloc (09022015). Collection method: clinical testing. Allele origin: germline.

Myriad Genetics, Inc.
Classification: Benign for Familial adenomatous polyposis 1. Last evaluated: 2024-04-03. Review status: criteria provided, single submitter. Criteria: Myriad Autosomal Dominant, Autosomal Recessive and X-Linked Classification Criteria (2023). Collection method: clinical testing. Allele origin: unknown.
Comment: This variant is considered benign. This variant is a silent/synonymous amino acid change and it is not expected to impact splicing.

Ambry Genetics
Classification: Likely benign for Hereditary cancer-predisposing syndrome. Last evaluated: 2018-09-07. Review status: criteria provided, single submitter. Criteria: Ambry Variant Classification Scheme 2023. Collection method: clinical testing. Allele origin: germline.

Color Diagnostics, LLC DBA Color Health
Classification: Likely benign for Hereditary cancer-predisposing syndrome. Last evaluated: 2017-09-20. Review status: criteria provided, single submitter. Criteria: ACMG Guidelines, 2015. Collection method: clinical testing. Allele origin: germline.

NM_000038.6(APC):c.6009A>G (p.Gln2003=)

Gene: APC (APC regulator of Wnt signaling pathway; plus strand). Cytogenetic location: 5q22.2.
Variant type: single nucleotide variant.
Coding change: c.6009A>G on transcript NM_000038.6 (MANE Select); coding-DNA position 6009, A replaced by G.
Protein change: p.Gln2003=; no amino-acid change (glutamine 2003 retained).
Molecular consequence: synonymous variant.
Genome position (GRCh38, 1-based): chr5:112,841,603, A>G. VCF-style: chr5-112841603-A-G. GRCh37 (hg19) VCF-style: chr5-112177300-A-G.
Other names: c.6009A>G, p.Gln2003= (NM_001127510.3, NM_001354895.2); c.5955A>G, p.Gln1985= (NM_001127511.3); c.6063A>G, p.Gln2021= (NM_001354896.2); c.6039A>G, p.Gln2013= (NM_001354897.2); c.5934A>G, p.Gln1978= (NM_001354898.2); c.5925A>G, p.Gln1975= (NM_001354899.2); c.5886A>G, p.Gln1962= (NM_001354900.2); c.5832A>G, p.Gln1944= (NM_001354901.2); and 5 more.
Identifiers: ClinVar variation 490327 (VCV000490327.18), dbSNP rs1292898950, ClinGen allele CA446210131.